The following is an entry in ClinVar:

ClinVar aggregate classification (germline): Uncertain significance (1 of 4 stars; one submission).

Conditions:
Amyotrophic lateral sclerosis type 1 (ALS1). Also called: AMYOTROPHIC LATERAL SCLEROSIS 1, FAMILIAL. Identifiers: Orphanet 803, MedGen C1862939, MONDO:0007103, OMIM 105400.
Neuronopathy, distal hereditary motor, type 7B. Also called: HMN VIIB; LOWER MOTOR NEURON DISEASE, DYNACTIN TYPE; NEURONOPATHY, DISTAL HEREDITARY MOTOR, AUTOSOMAL DOMINANT 14; NEURONOPATHY, DISTAL HEREDITARY MOTOR, HARDING TYPE VIIB; NEUROPATHY, DISTAL HEREDITARY MOTOR, HARDING TYPE VIIB; NEUROPATHY, DISTAL HEREDITARY MOTOR, WITH VOCAL CORD PARALYSIS, HARDING TYPE VIIB. Identifiers: Orphanet 139589, MedGen C1843315, MONDO:0011879, OMIM 607641.
Perry syndrome. Also called: PARKINSONISM WITH ALVEOLAR HYPOVENTILATION AND MENTAL DEPRESSION. Identifiers: Orphanet 178509, MedGen C1868594, MONDO:0008201, OMIM 168605.

gnomAD v4.1: 3 of 1,614,150 alleles (0.00019%); highest among the groups gnomAD compares: Non-Finnish European, 0.00025%; no homozygotes.

Submission:

Labcorp Genetics (formerly Invitae), Labcorp
Classification: Uncertain significance for Amyotrophic lateral sclerosis type 1; Neuronopathy, distal hereditary motor, type 7B; Perry syndrome. Last evaluated: 2025-06-11. Review status: criteria provided, single submitter. Criteria: Invitae Variant Classification Sherloc (09022015). Collection method: clinical testing. Allele origin: germline.
Comment: This sequence change creates a premature translational stop signal (p.Arg583*) in the DCTN1 gene. It is expected to result in an absent or disrupted protein product. However, the current clinical and genetic evidence is not sufficient to establish whether loss-of-function variants in DCTN1 cause disease. This variant is not present in population databases (gnomAD no frequency). This variant has not been reported in the literature in individuals affected with DCTN1-related conditions. In summary, the available evidence is currently insufficient to determine the role of this variant in disease. Therefore, it has been classified as a Variant of Uncertain Significance.

NM_004082.5(DCTN1):c.1747C>T (p.Arg583Ter)

Gene: DCTN1 (dynactin subunit 1; minus strand). Cytogenetic location: 2p13.1.
Variant type: single nucleotide variant.
Coding change: c.1747C>T on transcript NM_004082.5 (MANE Select); coding-DNA position 1747, C replaced by T.
Protein change: p.Arg583Ter; replaces arginine 583 with a stop codon.
Molecular consequence: nonsense. On other transcripts: non-coding transcript variant (1).
Genome position (GRCh38, 1-based): chr2:74,368,835, G>A on the plus strand (C>T on the coding strand, the complement: DCTN1 is on the minus strand). VCF-style: chr2-74368835-G-A. GRCh37 (hg19) VCF-style: chr2-74595962-G-A.
Other names: c.1687C>T, p.Arg563Ter (NM_001135040.3); c.1345C>T, p.Arg449Ter (NM_001135041.3, NM_023019.4); c.1636C>T, p.Arg546Ter (NM_001190836.2); c.1726C>T, p.Arg576Ter (NM_001190837.2); c.1696C>T, p.Arg566Ter (NM_001378991.1); c.1678C>T, p.Arg560Ter (NM_001378992.1); short protein forms R563*, R566*, R583*, R546*, R560*, R449*, R576*.
Identifiers: ClinVar variation 4790327 (VCV004790327.1).